The following is an entry in ClinVar:

ClinVar aggregate classification (germline): Uncertain significance (1 of 4 stars; one submission).

Conditions:
Epidermolysis bullosa simplex 3, localized or generalized intermediate, with BP230 deficiency (EBS3). Also called: Epidermolysis bullosa simplex, autosomal recessive 2; Epidermolysis bullosa simplex due to BP230 deficiency. Identifiers: Orphanet 412181, MedGen C3809470, MONDO:0014180, OMIM 615425.
Hereditary sensory and autonomic neuropathy type 6. Also called: Neuropathy, hereditary sensory and autonomic, type VI; HSAN VI. Identifiers: Orphanet 314381, MedGen C3539003, MONDO:0013839, OMIM 614653.

gnomAD v4.1: 1 of 1,603,878 alleles (0.000062%); highest among the groups gnomAD compares: African/African-American, 0.0013%; no homozygotes.

Submission:

Labcorp Genetics (formerly Invitae), Labcorp
Classification: Uncertain significance for Epidermolysis bullosa simplex 3, localized or generalized intermediate, with BP230 deficiency; Hereditary sensory and autonomic neuropathy type 6. Last evaluated: 2021-01-16. Review status: criteria provided, single submitter. Criteria: Invitae Variant Classification Sherloc (09022015). Collection method: clinical testing. Allele origin: germline.
Comment: This sequence change replaces glutamine with glutamic acid at codon 3909 of the DST protein (p.Gln3909Glu). The DST gene has multiple clinically relevant transcripts. This variant occurs in alternate transcript NM_015548.4, and corresponds to NM_001723.5:c.*113851C>G in the primary transcript. This variant is not present in population databases (ExAC no frequency). This variant has not been reported in the literature in individuals with DST-related conditions. In summary, the available evidence is currently insufficient to determine the role of this variant in disease. Therefore, it has been classified as a Variant of Uncertain Significance. Experimental studies and prediction algorithms are not available or were not evaluated, and the functional significance of this variant is currently unknown.

NM_001374736.1(DST):c.19594C>G (p.Gln6532Glu)

Gene: DST (dystonin; minus strand). Cytogenetic location: 6p12.1.
Variant type: single nucleotide variant.
Coding change: c.19594C>G on transcript NM_001374736.1 (MANE Select); coding-DNA position 19594, C replaced by G.
Protein change: p.Gln6532Glu; replaces glutamine 6532 with glutamic acid.
Molecular consequence: missense variant.
Genome position (GRCh38, 1-based): chr6:56,501,666, G>C on the plus strand (C>G on the coding strand, the complement: DST is on the minus strand). VCF-style: chr6-56501666-G-C. GRCh37 (hg19) VCF-style: chr6-56366464-G-C.
Other names: c.13237C>G, p.Gln4413Glu (NM_001144769.5); c.12823C>G, p.Gln4275Glu (NM_001144770.2); c.19594C>G, p.Gln6532Glu (NM_001374722.1); c.18634C>G, p.Gln6212Glu (NM_001374729.1); c.12376C>G, p.Gln4126Glu (NM_001374730.1); c.19621C>G, p.Gln6541Glu (NM_001374734.1); c.12703C>G, p.Gln4235Glu (NM_001386100.1, NM_183380.4); c.11725C>G, p.Gln3909Glu (NM_015548.5); short protein forms Q4275E, Q6541E, Q3909E, Q4235E, Q4126E, Q4413E, Q6212E, Q6532E.
Identifiers: ClinVar variation 1379196 (VCV001379196.6), dbSNP rs2152458955, ClinGen allele CA364520730.